The following is an entry in ClinVar:

NM_001394062.1(MACF1):c.19858G>A (p.Val6620Ile)

Gene: MACF1 (microtubule actin crosslinking factor 1; plus strand). Cytogenetic location: 1p34.3.
Variant type: single nucleotide variant.
Coding change: c.19858G>A on transcript NM_001394062.1 (MANE Select); coding-DNA position 19858, G replaced by A.
Protein change: p.Val6620Ile; replaces valine 6620 with isoleucine.
Molecular consequence: missense variant.
Genome position (GRCh38, 1-based): chr1:39,447,788, G>A. VCF-style: chr1-39447788-G-A. GRCh37 (hg19) VCF-style: chr1-39913460-G-A.
Other names: c.7936G>A, p.Val2646Ile (NM_001397473.1); c.13681G>A, p.Val4561Ile (NM_012090.5); short protein forms V2646I, V4561I, V6620I.
Identifiers: ClinVar variation 4975518 (VCV004975518.1).
Genomic context (GRCh38, chr1:39,447,788, plus strand): 5'-ATCATTGAGCTGGATCAAACTGGGAATCAATTAAAGTTCCTTAGCCAAAAGCAGGATGTT[G>A]TTCTGATCAAGAATTTGTTGGTGAGCGTGCAGTCTCGATGGGAGAAGGTTGTCCAGCGAT-3'
Protein context (NP_001380991.1, residues 6610-6630): LKFLSQKQDV[Val6620Ile]LIKNLLVSVQ

ClinVar aggregate classification (germline): Uncertain significance (1 of 4 stars; one submission).

Submission:

GeneDx
Classification: Uncertain significance. Last evaluated: 2026-01-26. Review status: criteria provided, single submitter. Criteria: GeneDx Variant Classification Process June 2021. Collection method: clinical testing. Allele origin: germline.
Comment: Not observed at significant frequency in large population cohorts (gnomAD); In silico analysis suggests that this missense variant does not alter protein structure/function; Has not been previously published as pathogenic or benign to our knowledge